The following is an entry in ClinVar:

ClinVar aggregate classification (germline): Pathogenic (1 of 4 stars; one submission).

Conditions:
Ehlers-Danlos syndrome, classic type, 1 (EDSCL1). Also called: EHLERS-DANLOS SYNDROME, GRAVIS TYPE; EHLERS-DANLOS SYNDROME, SEVERE CLASSIC TYPE; Ehlers-Danlos syndrome, type 1; Ehlers-Danlos Syndrome, Classic Type, COL5A1-Related; EDS I. Identifiers: MedGen C0268335, MONDO:0019567, OMIM 130000.

Submission:

Labcorp Genetics (formerly Invitae), Labcorp
Classification: Pathogenic for Ehlers-Danlos syndrome, classic type, 1. Last evaluated: 2025-01-15. Review status: criteria provided, single submitter. Criteria: Invitae Variant Classification Sherloc (09022015). Collection method: clinical testing. Allele origin: germline.
Comment: This sequence change affects a donor splice site in intron 20 of the COL5A1 gene. It is expected to disrupt RNA splicing. Variants that disrupt the donor or acceptor splice site typically lead to a loss of protein function (PMID: 16199547), and loss-of-function variants in COL5A1 are known to be pathogenic (PMID: 23587214). This variant is not present in population databases (gnomAD no frequency). Disruption of this splice site has been observed in individuals with clinical features consistent with Ehlers-Danlos syndrome (PMID: 27011056; internal data). ClinVar contains an entry for this variant (Variation ID: 2692792). Algorithms developed to predict the effect of sequence changes on RNA splicing suggest that this variant may disrupt the consensus splice site. For these reasons, this variant has been classified as Pathogenic.

Literature cited by the submitters: PubMed 16199547; PubMed 23587214; PubMed 27011056.

NM_000093.5(COL5A1):c.2034+2T>A

Gene: COL5A1 (collagen type V alpha 1 chain; plus strand). Cytogenetic location: 9q34.3.
Variant type: single nucleotide variant.
Coding change: c.2034+2T>A on transcript NM_000093.5 (MANE Select); the canonical splice donor site of the intron after coding-DNA position 2034, T replaced by A.
Molecular consequence: splice donor variant.
Genome position (GRCh38, 1-based): chr9:134,763,739, T>A. VCF-style: chr9-134763739-T-A. GRCh37 (hg19) VCF-style: chr9-137655585-T-A.
Other names: c.2034+2T>A (NM_001278074.1).
Identifiers: ClinVar variation 2692792 (VCV002692792.3), dbSNP rs2490653790, ClinGen allele CA375446520.